The following is an entry in ClinVar:

ClinVar aggregate classification (germline): Uncertain significance. Review status: criteria provided, multiple submitters, no conflicts (2 of 4 stars). 4 submissions from 4 submitters: Uncertain significance (4). Last evaluated 2025-12-09.

Conditions:
Inborn genetic diseases. Identifiers: MedGen C0950123, MeSH D030342.
Insulin-dependent diabetes mellitus secretory diarrhea syndrome (IPEX). Also called: Immunodeficiency, Polyendocrinopathy, and Enteropathy X-Linked Syndrome; X-Linked Syndrome of Polyendocrinopathy, Immune Dysfunction, and Diarrhea; Immunodysregulation, polyendocrinopathy, and enteropathy, X-linked; X-Linked Autoimmunity-Allergic Dysregulation Syndrome; IPEX and IPEX-Like; ENTEROPATHY, AUTOIMMUNE, WITH HEMOLYTIC ANEMIA AND POLYENDOCRINOPATHY. Identifiers: Orphanet 37042, MedGen C0342288, MONDO:0010580, OMIM 304790. Disease mechanism: loss of function.

Allele frequency attached by ClinVar (database versions not stated): TOPMed below 0.00001; gnomAD exomes 0.00001 and 0.00002; ExAC 0.00006.

Submissions (4):

Labcorp Genetics (formerly Invitae), Labcorp
Classification: Uncertain significance for Insulin-dependent diabetes mellitus secretory diarrhea syndrome. Last evaluated: 2025-12-09. Review status: criteria provided, single submitter. Criteria: Invitae Variant Classification Sherloc (09022015). Collection method: clinical testing. Allele origin: germline.
Comment: This sequence change replaces histidine, which is basic and polar, with arginine, which is basic and polar, at codon 326 of the FOXP3 protein (p.His326Arg). This variant is present in population databases (rs782429831, gnomAD 0.01%). This variant has not been reported in the literature in individuals affected with FOXP3-related conditions. ClinVar contains an entry for this variant (Variation ID: 1032588). Invitae Evidence Modeling of protein sequence and biophysical properties (such as structural, functional, and spatial information, amino acid conservation, physicochemical variation, residue mobility, and thermodynamic stability) indicates that this missense variant is not expected to disrupt FOXP3 protein function with a negative predictive value of 80%. In summary, the available evidence is currently insufficient to determine the role of this variant in disease. Therefore, it has been classified as a Variant of Uncertain Significance.

Ambry Genetics
Classification: Uncertain significance for Inborn genetic diseases. Last evaluated: 2025-08-05. Review status: criteria provided, single submitter. Criteria: Ambry Variant Classification Scheme 2023. Collection method: clinical testing. Allele origin: germline.

Fulgent Genetics
Classification: Uncertain significance for Insulin-dependent diabetes mellitus secretory diarrhea syndrome. Last evaluated: 2022-02-04. Review status: criteria provided, single submitter. Criteria: ACMG Guidelines, 2015. Collection method: clinical testing. Allele origin: unknown.

Baylor Genetics
Classification: Uncertain significance for Insulin-dependent diabetes mellitus secretory diarrhea syndrome. Last evaluated: 2018-11-03. Review status: criteria provided, single submitter. Criteria: ACMG Guidelines, 2015. Collection method: clinical testing. Allele origin: maternal. Affected: yes.
Comment: This variant was determined to be of uncertain significance according to ACMG Guidelines, 2015 [PMID:25741868].

NM_014009.4(FOXP3):c.977A>G (p.His326Arg)

Gene: FOXP3 (forkhead box P3; minus strand). Cytogenetic location: Xp11.23.
Variant type: single nucleotide variant.
Coding change: c.977A>G on transcript NM_014009.4 (MANE Select); coding-DNA position 977, A replaced by G.
Protein change: p.His326Arg; replaces histidine 326 with arginine.
Molecular consequence: missense variant.
Genome position (GRCh38, 1-based): chrX:49,253,193, T>C on the plus strand (A>G on the coding strand, the complement: FOXP3 is on the minus strand). VCF-style: chrX-49253193-T-C. GRCh37 (hg19) VCF-style: chrX-49109654-T-C.
Other names: c.872A>G, p.His291Arg (NM_001114377.2); short protein forms H291R, H326R.
Identifiers: ClinVar variation 1032588 (VCV001032588.11), dbSNP rs782429831, ClinGen allele CA10411689.